The following is an entry in ClinVar:

NM_001080414.4(CCDC88C):c.2210A>G (p.Lys737Arg)

Gene: CCDC88C (coiled-coil and HOOK domain protein 88C; minus strand). Cytogenetic location: 14q32.11.
Variant type: single nucleotide variant.
Coding change: c.2210A>G on transcript NM_001080414.4 (MANE Select); coding-DNA position 2210, A replaced by G.
Protein change: p.Lys737Arg; replaces lysine 737 with arginine.
Molecular consequence: missense variant. On other transcripts: non-coding transcript variant (2).
Genome position (GRCh38, 1-based): chr14:91,313,606, T>C on the plus strand (A>G on the coding strand, the complement: CCDC88C is on the minus strand). VCF-style: chr14-91313606-T-C. GRCh37 (hg19) VCF-style: chr14-91779950-T-C.
Other names: p.Lys737Arg; short protein forms K737R.
Identifiers: ClinVar variation 4541900 (VCV004541900.1).

ClinVar aggregate classification (germline): Uncertain significance (1 of 4 stars; one submission).

gnomAD v4.1: 67 of 1,612,614 alleles (0.0042%); highest among the groups gnomAD compares: Non-Finnish European, 0.0056%; no homozygotes.

Submission:

Mayo Clinic Laboratories, Mayo Clinic
Classification: Uncertain significance. Last evaluated: 2025-09-26. Review status: criteria provided, single submitter. Criteria: ACMG Guidelines, 2015. Collection method: clinical testing. Allele origin: germline. Observed: 1 variant allele.
Comment: BP4_moderate